The following is an entry in ClinVar:

NM_020461.4(TUBGCP6):c.3065C>T (p.Thr1022Ile)

Gene: TUBGCP6 (tubulin gamma complex component 6; minus strand). Cytogenetic location: 22q13.33.
Variant type: single nucleotide variant.
Coding change: c.3065C>T on transcript NM_020461.4 (MANE Select); coding-DNA position 3065, C replaced by T.
Protein change: p.Thr1022Ile; replaces threonine 1022 with isoleucine.
Molecular consequence: missense variant.
Genome position (GRCh38, 1-based): chr22:50,221,294, G>A on the plus strand (C>T on the coding strand, the complement: TUBGCP6 is on the minus strand). VCF-style: chr22-50221294-G-A. GRCh37 (hg19) VCF-style: chr22-50659723-G-A.
Other names: short protein forms T1022I.
Identifiers: ClinVar variation 2161789 (VCV002161789.1), dbSNP rs1384450791, ClinGen allele CA412185108.

ClinVar aggregate classification (germline): Uncertain significance (1 of 4 stars; one submission).

gnomAD v4.1: 4 of 1,613,862 alleles (0.00025%); highest among the groups gnomAD compares: Non-Finnish European, 0.00034%; no homozygotes.

Submission:

Labcorp Genetics (formerly Invitae), Labcorp
Classification: Uncertain significance. Last evaluated: 2022-07-30. Review status: criteria provided, single submitter. Criteria: Invitae Variant Classification Sherloc (09022015). Collection method: clinical testing. Allele origin: germline.
Comment: This sequence change replaces threonine, which is neutral and polar, with isoleucine, which is neutral and non-polar, at codon 1022 of the TUBGCP6 protein (p.Thr1022Ile). This variant is not present in population databases (gnomAD no frequency). This variant has not been reported in the literature in individuals affected with TUBGCP6-related conditions. Algorithms developed to predict the effect of missense changes on protein structure and function output the following: SIFT: "Deleterious"; PolyPhen-2: "Benign"; Align-GVGD: "Class C0". The isoleucine amino acid residue is found in multiple mammalian species, which suggests that this missense change does not adversely affect protein function. In summary, the available evidence is currently insufficient to determine the role of this variant in disease. Therefore, it has been classified as a Variant of Uncertain Significance.